The following is an entry in ClinVar:

NM_004006.3(DMD):c.10062T>A (p.Tyr3354Ter)

Gene: DMD (dystrophin; minus strand). Cytogenetic location: Xp21.2.
Variant type: single nucleotide variant.
Coding change: c.10062T>A on transcript NM_004006.3 (MANE Select); coding-DNA position 10062, T replaced by A.
Protein change: p.Tyr3354Ter; replaces tyrosine 3354 with a stop codon.
Molecular consequence: nonsense.
Genome position (GRCh38, 1-based): chrX:31,180,394, A>T on the plus strand (T>A on the coding strand, the complement: DMD is on the minus strand). VCF-style: chrX-31180394-A-T. GRCh37 (hg19) VCF-style: chrX-31198511-A-T.
Other names: c.10038T>A, p.Tyr3346Ter (NM_000109.4); c.10050T>A, p.Tyr3350Ter (NM_004009.3); c.9693T>A, p.Tyr3231Ter (NM_004010.3); c.6039T>A, p.Tyr2013Ter (NM_004011.4); c.6030T>A, p.Tyr2010Ter (NM_004012.4); c.2682T>A, p.Tyr894Ter (NM_004013.3, NM_004020.4, NM_004021.3 and 2 more transcripts); c.1875T>A, p.Tyr625Ter (NM_004014.3); c.858T>A, p.Tyr286Ter (NM_004015.3, NM_004016.3, NM_004017.3 and 2 more transcripts); short protein forms Y3354*, Y2010*, Y3350*, Y2013*, Y3231*, Y3346*, Y894*, Y286*.
Identifiers: ClinVar variation 284461 (VCV000284461.13), dbSNP rs886042875, ClinGen allele CA10604800.
Genomic context (GRCh38, chrX:31,180,394, plus strand): 5'-GAACTAACTCTCACGTCAGGCTGGCGTCAAACTTACCGGAGTGCAATATTCCACCATGGG[A>T]TAGTGCATTTTATGGCCTTTTGCAACTCGACCAGAAAAAAAGCAGCTTTGGCAGATGTCA-3'

ClinVar aggregate classification (germline): Pathogenic. Review status: criteria provided, multiple submitters, no conflicts (2 of 4 stars). 2 submissions from 2 submitters: Pathogenic (2). Last evaluated 2022-12-30.

Conditions:
Duchenne muscular dystrophy (DMD). Also called: Duchenne Muscular Dystrophy (DMD); MUSCULAR DYSTROPHY, PSEUDOHYPERTROPHIC PROGRESSIVE, DUCHENNE TYPE. Identifiers: Orphanet 98896, MedGen C0013264, MONDO:0010679, OMIM 310200.

Submissions (2):

Labcorp Genetics (formerly Invitae), Labcorp
Classification: Pathogenic for Duchenne muscular dystrophy. Last evaluated: 2022-12-30. Review status: criteria provided, single submitter. Criteria: Invitae Variant Classification Sherloc (09022015). Collection method: clinical testing. Allele origin: germline.
Comment: This sequence change creates a premature translational stop signal (p.Tyr3354*) in the DMD gene. It is expected to result in an absent or disrupted protein product. Loss-of-function variants in DMD are known to be pathogenic (PMID: 16770791, 25007885). This variant is not present in population databases (gnomAD no frequency). This variant has not been reported in the literature in individuals affected with DMD-related conditions. ClinVar contains an entry for this variant (Variation ID: 284461). For these reasons, this variant has been classified as Pathogenic.

Eurofins Ntd Llc (ga)
Classification: Pathogenic. Last evaluated: 2015-10-28. Review status: criteria provided, single submitter. Criteria: EGL Classification Definitions 2015. Collection method: clinical testing. Allele origin: germline. Observed: 1 variant allele, 1 heterozygote.

Literature cited by the submitters: PubMed 16770791 (cited by Labcorp Genetics (formerly Invitae), Labcorp); PubMed 25007885 (cited by Labcorp Genetics (formerly Invitae), Labcorp).